The following is an entry in ClinVar:

ClinVar aggregate classification (germline): Uncertain significance (1 of 4 stars; one submission).

gnomAD v4.1: 15 of 1,612,694 alleles (0.00093%); highest among the groups gnomAD compares: Middle Eastern, 0.016%; no homozygotes.

Submission:

Labcorp Genetics (formerly Invitae), Labcorp
Classification: Uncertain significance. Last evaluated: 2024-09-08. Review status: criteria provided, single submitter. Criteria: Invitae Variant Classification Sherloc (09022015). Collection method: clinical testing. Allele origin: germline.
Comment: This sequence change replaces valine, which is neutral and non-polar, with isoleucine, which is neutral and non-polar, at codon 132 of the RARS protein (p.Val132Ile). This variant is present in population databases (rs754958942, gnomAD 0.003%). This variant has not been reported in the literature in individuals affected with RARS-related conditions. Invitae Evidence Modeling of protein sequence and biophysical properties (such as structural, functional, and spatial information, amino acid conservation, physicochemical variation, residue mobility, and thermodynamic stability) indicates that this missense variant is not expected to disrupt RARS protein function with a negative predictive value of 80%. In summary, the available evidence is currently insufficient to determine the role of this variant in disease. Therefore, it has been classified as a Variant of Uncertain Significance.

NM_002887.4(RARS1):c.394G>A (p.Val132Ile)

Gene: RARS1 (arginyl-tRNA synthetase 1; plus strand). Cytogenetic location: 5q34.
Variant type: single nucleotide variant.
Coding change: c.394G>A on transcript NM_002887.4 (MANE Select); coding-DNA position 394, G replaced by A.
Protein change: p.Val132Ile; replaces valine 132 with isoleucine.
Molecular consequence: missense variant.
Genome position (GRCh38, 1-based): chr5:168,493,918, G>A. VCF-style: chr5-168493918-G-A. GRCh37 (hg19) VCF-style: chr5-167920923-G-A.
Other names: short protein forms V132I.
Identifiers: ClinVar variation 3715660 (VCV003715660.1).
Genomic context (GRCh38, chr5:168,493,918, plus strand): 5'-CTGTTGTGTAATGAATCATTTTATATTGTGTTGTAGATGCTCAAAACCAAGGAACAGAAA[G>A]TTAATCCAAGAGAAATTGCTGAAAACATTACCAAACACCTCCCAGACAATGAATGTATTG-3'
Protein context (NP_002878.2, residues 122-142): SQMLKTKEQK[Val132Ile]NPREIAENIT